The following is an entry in ClinVar:

NM_000067.3(CA2):c.677G>A (p.Arg226His)

Gene: CA2 (carbonic anhydrase 2; plus strand). Cytogenetic location: 8q21.2.
Variant type: single nucleotide variant.
Coding change: c.677G>A on transcript NM_000067.3 (MANE Select); coding-DNA position 677, G replaced by A.
Protein change: p.Arg226His; replaces arginine 226 with histidine.
Molecular consequence: missense variant.
Genome position (GRCh38, 1-based): chr8:85,480,683, G>A. VCF-style: chr8-85480683-G-A. GRCh37 (hg19) VCF-style: chr8-86392912-G-A.
Other names: c.374G>A, p.Arg125His (NM_001293675.2); short protein forms R226H, R125H.
Identifiers: ClinVar variation 198387 (VCV000198387.18), dbSNP rs201928238, ClinGen allele CA247017.

ClinVar aggregate classification (germline): Uncertain significance. Review status: criteria provided, multiple submitters, no conflicts (2 of 4 stars). 9 submissions from 9 submitters: Uncertain significance (9). Last evaluated 2026-03-05.

Conditions:
CA2-related disorder. Also called: CA2-related condition.
Inborn genetic diseases. Identifiers: MedGen C0950123, MeSH D030342.
Osteopetrosis with renal tubular acidosis (OPTB3). Also called: Autosomal recessive osteopetrosis 3. Identifiers: Orphanet 2785, MedGen C0345407, MONDO:0009818, OMIM 259730.

Allele frequency attached by ClinVar (database versions not stated): ExAC 0.00008; ESP Exome Variant Server 0.00008; gnomAD 0.00009; TOPMed 0.00009; gnomAD exomes 0.00012 and 0.00014; 1000 Genomes Project 30x 0.00016; 1000 Genomes Project 0.00020.
gnomAD v4.1: 203 of 1,613,140 alleles (0.013%); highest among the groups gnomAD compares: Middle Eastern, 0.017%; no homozygotes.

Submissions (9):

PreventionGenetics, part of Exact Sciences
Classification: Uncertain significance for CA2-related condition. Last evaluated: 2026-03-05. Review status: criteria provided, single submitter. Criteria: ACMG Guidelines, 2015. Collection method: clinical testing. Allele origin: germline.
Comment: The CA2 c.677G>A variant is predicted to result in the amino acid substitution p.Arg226His. To our knowledge, this variant has not been reported in the literature. This variant is reported in 0.045% of alleles in individuals of East Asian descent in gnomAD. At this time, the clinical significance of this variant is uncertain due to the absence of conclusive functional and genetic evidence.

Dasa
Classification: Uncertain significance for autosomal recessive osteopetrosis 3. Last evaluated: 2025-05-05. Review status: criteria provided, single submitter. Criteria: DASA Assertion Criteria. Collection method: clinical testing. Allele origin: germline.
Comment: NM_000067.3(CA2):c.677G>A (p.Arg226His) is a missense variant that results in the substitution of arginine with histidine. This variant has been observed in affected individuals with CA2-related disorders. Also, this variant is rare in population databases. Computational prediction algorithms are consistent with a deleterious effect. The currently available literature and clinical evidence are not sufficient to establish a definitive association between this variant and the reported condition. Therefore, this variant is classified as a variant of uncertain significance.

Ambry Genetics
Classification: Uncertain significance for Inborn genetic diseases. Last evaluated: 2025-01-18. Review status: criteria provided, single submitter. Criteria: Ambry Variant Classification Scheme 2023. Collection method: clinical testing. Allele origin: germline.

Fulgent Genetics
Classification: Uncertain significance for Osteopetrosis with renal tubular acidosis. Last evaluated: 2022-05-26. Review status: criteria provided, single submitter. Criteria: ACMG Guidelines, 2015. Collection method: clinical testing. Allele origin: unknown.

Labcorp Genetics (formerly Invitae), Labcorp
Classification: Uncertain significance. Last evaluated: 2022-05-19. Review status: criteria provided, single submitter. Criteria: Invitae Variant Classification Sherloc (09022015). Collection method: clinical testing. Allele origin: germline.
Comment: This sequence change replaces arginine, which is basic and polar, with histidine, which is basic and polar, at codon 226 of the CA2 protein (p.Arg226His). This variant is present in population databases (rs201928238, gnomAD 0.04%). This variant has not been reported in the literature in individuals affected with CA2-related conditions. ClinVar contains an entry for this variant (Variation ID: 198387). Algorithms developed to predict the effect of missense changes on protein structure and function are either unavailable or do not agree on the potential impact of this missense change (SIFT: "Deleterious"; PolyPhen-2: "Probably Damaging"; Align-GVGD: "Class C0"). In summary, the available evidence is currently insufficient to determine the role of this variant in disease. Therefore, it has been classified as a Variant of Uncertain Significance.

GeneDx
Classification: Uncertain significance. Last evaluated: 2019-09-24. Review status: criteria provided, single submitter. Criteria: GeneDx Variant Classification Process June 2021. Collection method: clinical testing. Allele origin: germline. Affected: yes.
Comment: In silico analysis, which includes protein predictors and evolutionary conservation, supports a deleterious effect; Has not been previously published as pathogenic or benign to our knowledge

Illumina Laboratory Services, Illumina
Classification: Uncertain significance for Osteopetrosis with renal tubular acidosis. Last evaluated: 2018-01-13. Review status: criteria provided, single submitter. Criteria: ICSL Variant Classification Criteria 13 December 2019. Collection method: clinical testing. Allele origin: germline.

Eurofins Ntd Llc (ga)
Classification: Uncertain significance. Last evaluated: 2015-03-17. Review status: criteria provided, single submitter. Criteria: EGL Classification Definitions 2015. Collection method: clinical testing. Allele origin: germline. Observed: 1 variant allele, 1 heterozygote.

Breakthrough Genomics
Classification: Uncertain significance. Review status: criteria provided, single submitter. Criteria: ACMG Guidelines, 2015. Collection method: not provided. Allele origin: germline. Inheritance: Autosomal recessive inheritance. Affected: yes.